The following is an entry in ClinVar:

NM_007118.4(TRIO):c.7477C>G (p.Pro2493Ala)

Gene: TRIO (trio Rho guanine nucleotide exchange factor; plus strand). Cytogenetic location: 5p15.2.
Variant type: single nucleotide variant.
Coding change: c.7477C>G on transcript NM_007118.4 (MANE Select); coding-DNA position 7477, C replaced by G.
Protein change: p.Pro2493Ala; replaces proline 2493 with alanine.
Molecular consequence: missense variant.
Genome position (GRCh38, 1-based): chr5:14,488,105, C>G. VCF-style: chr5-14488105-C-G. GRCh37 (hg19) VCF-style: chr5-14488214-C-G.
Other names: c.7477C>G (NM_007118.2); short protein forms P2493A.
Identifiers: ClinVar variation 809735 (VCV000809735.45), dbSNP rs759022594, ClinGen allele CA359237531.

ClinVar aggregate classification (germline): Uncertain significance. Review status: criteria provided, multiple submitters, no conflicts (2 of 4 stars). 3 submissions from 3 submitters: Uncertain significance (3). Last evaluated 2026-06-05.

Conditions:
Inborn genetic diseases. Identifiers: MedGen C0950123, MeSH D030342.

Allele frequency attached by ClinVar (database versions not stated): TOPMed 0.00002.
gnomAD v4.1: 15 of 1,609,798 alleles (0.00093%); highest among the groups gnomAD compares: Non-Finnish European, 0.0013%; no homozygotes.

Submissions (3):

Ambry Genetics
Classification: Uncertain significance for Inborn genetic diseases. Last evaluated: 2026-06-05. Review status: criteria provided, single submitter. Criteria: Ambry Variant Classification Scheme 2023. Collection method: clinical testing. Allele origin: germline.
Comment: The c.7477C>G (p.P2493A) alteration is located in exon 48 (coding exon 48) of the TRIO gene. This alteration results from a C to G substitution at nucleotide position 7477, causing the proline (P) at amino acid position 2493 to be replaced by an alanine (A). Based on data from gnomAD, the G allele has an overall frequency of <0.001% (0/228284) total alleles studied. The highest observed frequency was <0.001% (/) of alleles. Based on insufficient or conflicting evidence, the clinical significance of this alteration remains unclear.

CeGaT Center for Human Genetics Tuebingen
Classification: Uncertain significance. Last evaluated: 2025-04-01. Review status: criteria provided, single submitter. Criteria: CeGaT Center For Human Genetics Tuebingen Variant Classification Criteria Version 2. Collection method: clinical testing. Allele origin: germline. Affected: yes. Observed: 2 variant alleles.

Clinical Genetics Laboratory, Skane University Hospital Lund
Classification: Uncertain significance. Last evaluated: 2023-08-24. Review status: criteria provided, single submitter. Criteria: ACMG Guidelines, 2015. Collection method: clinical testing. Allele origin: germline. Affected: yes.